The following is an entry in ClinVar:

ClinVar aggregate classification (germline): Uncertain significance. Review status: criteria provided, multiple submitters, no conflicts (2 of 4 stars). 4 submissions from 3 submitters: Uncertain significance (4). Last evaluated 2025-10-01.

Conditions:
Autosomal recessive nonsyndromic hearing loss 4 (DFNB4). Also called: Deafness, autosomal recessive 4, with enlarged vestibular aqueduct; FOXI1-Related Pendred Syndrome; KCNJ10-Related Pendred Syndrome; DEAFNESS, AUTOSOMAL RECESSIVE 4, WITH ENLARGED VESTIBULAR AQUEDUCT, DIGENIC; NEUROSENSORY NONSYNDROMIC RECESSIVE DEAFNESS 4; Deafness, autosomal recessive 4. Identifiers: Orphanet 90636, MedGen C3538946, MONDO:0010933, OMIM 600791.
Pendred syndrome (PDS). Also called: DEAFNESS WITH GOITER; GOITER-DEAFNESS SYNDROME; HYPOTHYROIDISM, CONGENITAL, DUE TO DYSHORMONOGENESIS, 2B; THYROID DYSHORMONOGENESIS 2B; THYROID HORMONOGENESIS, GENETIC DEFECT IN, 2B; Pendred's syndrome. Identifiers: Orphanet 705, MedGen C0271829, MONDO:0010134, OMIM 274600.

Allele frequency attached by ClinVar (database versions not stated): gnomAD 0.00003 and 0.00004; TOPMed 0.00005; ESP Exome Variant Server 0.00008.
gnomAD v4.1: 21 of 1,612,792 alleles (0.0013%); highest among the groups gnomAD compares: Middle Eastern, 0.016%; no homozygotes.

Submissions (4):

GeneDx
Classification: Uncertain significance. Last evaluated: 2025-10-01. Review status: criteria provided, single submitter. Criteria: GeneDx Variant Classification Process June 2021. Collection method: clinical testing. Allele origin: germline. Affected: yes.
Comment: Identified in patients belonging to autism spectrum disorder cohorts who also harbored multiple other variants in additional genes in published literature (PMID: 35982160, 35982159); In silico analysis suggests that this missense variant does not alter protein structure/function; This variant is associated with the following publications: (PMID: 35982159, 26037345, 35982160)

Illumina Laboratory Services, Illumina
Classification: Uncertain significance for Autosomal recessive nonsyndromic hearing loss 4. Last evaluated: 2018-01-13. Review status: criteria provided, single submitter. Criteria: ICSL Variant Classification Criteria 13 December 2019. Collection method: clinical testing. Allele origin: germline.

Illumina Laboratory Services, Illumina
Classification: Uncertain significance for Pendred syndrome. Last evaluated: 2018-01-13. Review status: criteria provided, single submitter. Criteria: ICSL Variant Classification Criteria 13 December 2019. Collection method: clinical testing. Allele origin: germline.

Neuberg Centre For Genomic Medicine, NCGM
Classification: Uncertain significance for Autosomal recessive nonsyndromic hearing loss 4. Review status: criteria provided, single submitter. Criteria: ACMG Guidelines, 2015. Collection method: clinical testing. Allele origin: germline. Inheritance: Autosomal recessive inheritance. Affected: yes.
Comment: The missense variant p.G707R in SLC26A4 (NM_000441.2) has not been reported previously as a pathogenic variant nor as a benign variant, to our knowledge. The variant has been submitted to ClinVar as Uncertain Significance. The p.G707R variant is observed in 4/34,542 (0.0116%) alleles from individuals of Latino background in gnomAD Exomes and is novel (not in any individuals) in 1000 Genomes. There is a moderate physicochemical difference between glycine and arginine. The p.G707R missense variant is predicted to be damaging by both SIFT and PolyPhen2. The nucleotide c.2119 in SLC26A4 is predicted conserved by GERP++ and PhyloP across 100 vertebrates. In the absence of a second reportable mutation, the molecular diagnosis is not confirmed. For these reasons, this variant has been classified as Uncertain Significance.

NM_000441.2(SLC26A4):c.2119G>A (p.Gly707Arg)

Genes: SLC26A4 (solute carrier family 26 member 4; plus strand), LOC123956210 (Sharpr-MPRA regulatory region 3291; plus strand). Cytogenetic location: 7q22.3.
Variant type: single nucleotide variant.
Coding change: c.2119G>A on transcript NM_000441.2 (MANE Select); coding-DNA position 2119, G replaced by A.
Protein change: p.Gly707Arg; replaces glycine 707 with arginine.
Molecular consequence: missense variant.
Genome position (GRCh38, 1-based): chr7:107,710,083, G>A. VCF-style: chr7-107710083-G-A. GRCh37 (hg19) VCF-style: chr7-107350528-G-A.
Other names: short protein forms G707R.
Identifiers: ClinVar variation 910782 (VCV000910782.7), dbSNP rs372072732, ClinGen allele CA164228038.